The following is an entry in ClinVar:

ClinVar aggregate classification (germline): Uncertain significance (1 of 4 stars; one submission).

Conditions:
Cardiovascular phenotype. Identifiers: MedGen CN230736.

gnomAD v4.1: 2 of 1,612,570 alleles (0.00012%); highest among the groups gnomAD compares: Non-Finnish European, 0.00017%; no homozygotes.

Submission:

Ambry Genetics
Classification: Uncertain significance for Cardiovascular phenotype. Last evaluated: 2025-06-22. Review status: criteria provided, single submitter. Criteria: Ambry Variant Classification Scheme 2023. Collection method: clinical testing. Allele origin: germline.
Comment: The p.S279N variant (also known as c.836G>A), located in coding exon 2 of the TNXB gene, results from a G to A substitution at nucleotide position 836. The serine at codon 279 is replaced by asparagine, an amino acid with highly similar properties. This amino acid position is conserved. In addition, this alteration is predicted to be tolerated by in silico analysis. Based on the available evidence, the clinical significance of this variant remains unclear.

NM_001365276.2(TNXB):c.836G>A (p.Ser279Asn)

Gene: TNXB (tenascin XB; minus strand). Cytogenetic location: 6p21.33.
Variant type: single nucleotide variant.
Coding change: c.836G>A on transcript NM_001365276.2 (MANE Select); coding-DNA position 836, G replaced by A.
Protein change: p.Ser279Asn; replaces serine 279 with asparagine.
Molecular consequence: missense variant.
Genome position (GRCh38, 1-based): chr6:32,097,017, C>T on the plus strand (G>A on the coding strand, the complement: TNXB is on the minus strand). VCF-style: chr6-32097017-C-T. GRCh37 (hg19) VCF-style: chr6-32064794-C-T.
Other names: c.836G>A, p.Ser279Asn (NM_001428335.1, NM_019105.8); short protein forms S279N.
Identifiers: ClinVar variation 4188651 (VCV004188651.1).